The following is an entry in ClinVar:

NM_174934.4(SCN4B):c.480C>T (p.Asn160=)

Gene: SCN4B (sodium voltage-gated channel beta subunit 4; minus strand). Cytogenetic location: 11q23.3.
Variant type: single nucleotide variant.
Coding change: c.480C>T on transcript NM_174934.4 (MANE Select); coding-DNA position 480, C replaced by T.
Protein change: p.Asn160=; no amino-acid change (asparagine 160 retained).
Molecular consequence: synonymous variant. On other transcripts: non-coding transcript variant (1).
Genome position (GRCh38, 1-based): chr11:118,141,320, G>A on the plus strand (C>T on the coding strand, the complement: SCN4B is on the minus strand). VCF-style: chr11-118141320-G-A. GRCh37 (hg19) VCF-style: chr11-118012035-G-A.
Other names: c.78C>T, p.Asn26= (NM_001142348.2); c.150C>T, p.Asn50= (NM_001142349.2).
Identifiers: ClinVar variation 378537 (VCV000378537.14), dbSNP rs72546675, ClinGen allele CA6300189.
Genomic context (GRCh38, chr11:118,141,320, plus strand): 5'-GATGAGGATGAGGAGCCCGATGACCCCGCCCACGACAGCCAGGATGATGAGTGTCACTGT[G>A]TTGTCCACTTCTTCCACTGTGTGGCCCGAGTAGGGAGGAAAGGGAAGGCACAAAGGGAGC-3'
Protein context (NP_777594.1, residues 150-170): QVVDRLEEVD[Asn160=]TVTLIILAVV

ClinVar aggregate classification (germline): Benign/Likely benign. Review status: criteria provided, multiple submitters, no conflicts (2 of 4 stars). 3 submissions from 3 submitters: Benign (2); Likely benign (1). Last evaluated 2026-01-16.

Conditions:
Cardiovascular phenotype. Identifiers: MedGen CN230736.
Long QT syndrome 10 (LQT10). Identifiers: Orphanet 101016, Orphanet 768, MedGen C2678484, MONDO:0012737, OMIM 611819.

Allele frequency attached by ClinVar (database versions not stated): TOPMed 0.00071; gnomAD 0.00077 and 0.00083; 1000 Genomes Project 0.00080; ESP Exome Variant Server 0.00092; 1000 Genomes Project 30x 0.00094.
gnomAD v4.1: 222 of 1,612,416 alleles (0.014%); highest among the groups gnomAD compares: African/African-American, 0.25%; no homozygotes.

Submissions (3):

Labcorp Genetics (formerly Invitae), Labcorp
Classification: Benign for Long QT syndrome 10. Last evaluated: 2026-01-16. Review status: criteria provided, single submitter. Criteria: Invitae Variant Classification Sherloc (09022015). Collection method: clinical testing. Allele origin: germline.

Ambry Genetics
Classification: Likely benign for Cardiovascular phenotype. Last evaluated: 2018-10-17. Review status: criteria provided, single submitter. Criteria: Ambry Variant Classification Scheme 2023. Collection method: clinical testing. Allele origin: germline.

GeneDx
Classification: Benign. Last evaluated: 2016-06-23. Review status: criteria provided, single submitter. Criteria: GeneDx Variant Classification (06012015). Collection method: clinical testing. Allele origin: germline. Affected: yes.
Comment: This variant is considered likely benign or benign based on one or more of the following criteria: it is a conservative change, it occurs at a poorly conserved position in the protein, it is predicted to be benign by multiple in silico algorithms, and/or has population frequency not consistent with disease.